The following is an entry in ClinVar:

NM_001290321.3(DMXL1):c.2716G>A (p.Glu906Lys)

Gene: DMXL1 (Dmx like 1; plus strand). Cytogenetic location: 5q23.1.
Variant type: single nucleotide variant.
Coding change: c.2716G>A on transcript NM_001290321.3 (MANE Select); coding-DNA position 2716, G replaced by A.
Protein change: p.Glu906Lys; replaces glutamic acid 906 with lysine.
Molecular consequence: missense variant. On other transcripts: non-coding transcript variant (3), intron variant (1).
Genome position (GRCh38, 1-based): chr5:119,147,275, G>A. VCF-style: chr5-119147275-G-A. GRCh37 (hg19) VCF-style: chr5-118482970-G-A.
Other names: c.2716G>A, p.Glu906Lys (NM_001349239.2, NM_001349240.2, NM_001387933.1 and 2 more transcripts); c.2011G>A, p.Glu671Lys (NM_001387937.1); c.1925-1464G>A (NM_001387938.1); short protein forms E671K, E906K.
Identifiers: ClinVar variation 3033556 (VCV003033556.2), dbSNP rs147704466, ClinGen allele CA3379788.

ClinVar aggregate classification (germline): Benign (0 of 4 stars; one submission).

Conditions:
DMXL1-related disorder. Also called: DMXL1-related condition.

Allele frequency attached by ClinVar (database versions not stated): gnomAD exomes 0.00062; ExAC 0.00180; 1000 Genomes Project 30x 0.00453; 1000 Genomes Project 0.00519; gnomAD 0.00568; ESP Exome Variant Server 0.00654; TOPMed 0.00685.
gnomAD v4.1: 1,807 of 1,612,940 alleles (0.11%); highest among the groups gnomAD compares: African/African-American, 2.1%; 22 homozygotes.

Submission:

PreventionGenetics, part of Exact Sciences
Classification: Benign for DMXL1-related condition. Last evaluated: 2019-06-12. Review status: no assertion criteria provided. Collection method: clinical testing. Allele origin: germline.
Comment: This variant is classified as benign based on ACMG/AMP sequence variant interpretation guidelines (Richards et al. 2015 PMID: 25741868, with internal and published modifications).